The following is an entry in ClinVar:

NM_015978.3(TNNI3K):c.758A>G (p.Tyr253Cys)

Genes: FPGT-TNNI3K (FPGT-TNNI3K readthrough; plus strand), TNNI3K (TNNI3 interacting kinase; plus strand). Cytogenetic location: 1p31.1.
Variant type: single nucleotide variant.
Coding change: c.758A>G on transcript NM_015978.3 (MANE Select); coding-DNA position 758, A replaced by G.
Protein change: p.Tyr253Cys; replaces tyrosine 253 with cysteine.
Molecular consequence: missense variant.
Genome position (GRCh38, 1-based): chr1:74,342,917, A>G. VCF-style: chr1-74342917-A-G. GRCh37 (hg19) VCF-style: chr1-74808601-A-G.
Other names: c.1061A>G, p.Tyr354Cys (NM_001112808.3, NM_001199327.2); short protein forms Y253C, Y354C.
Identifiers: ClinVar variation 4742268 (VCV004742268.1).

ClinVar aggregate classification (germline): Uncertain significance (1 of 4 stars; one submission).

Submission:

Labcorp Genetics (formerly Invitae), Labcorp
Classification: Uncertain significance. Last evaluated: 2025-11-16. Review status: criteria provided, single submitter. Criteria: Invitae Variant Classification Sherloc (09022015). Collection method: clinical testing. Allele origin: germline.
Comment: This sequence change replaces tyrosine, which is neutral and polar, with cysteine, which is neutral and slightly polar, at codon 253 of the TNNI3K protein (p.Tyr253Cys). This variant is not present in population databases (gnomAD no frequency). This variant has not been reported in the literature in individuals affected with TNNI3K-related conditions. Invitae Evidence Modeling of protein sequence and biophysical properties (such as structural, functional, and spatial information, amino acid conservation, physicochemical variation, residue mobility, and thermodynamic stability) indicates that this missense variant is not expected to disrupt TNNI3K protein function with a negative predictive value of 80%. In summary, the available evidence is currently insufficient to determine the role of this variant in disease. Therefore, it has been classified as a Variant of Uncertain Significance.